The following is an entry in ClinVar:

ClinVar aggregate classification (germline): Pathogenic (1 of 4 stars; one submission).

Conditions:
Hereditary cancer-predisposing syndrome. Also called: Neoplastic Syndromes, Hereditary; Tumor predisposition; Hereditary Cancer Syndrome; Hereditary neoplastic syndrome. Identifiers: Orphanet 140162, MedGen C0027672, MeSH D009386, MONDO:0015356.

Submission:

Ambry Genetics
Classification: Pathogenic for Hereditary cancer-predisposing syndrome. Last evaluated: 2022-06-28. Review status: criteria provided, single submitter. Criteria: Ambry Variant Classification Scheme 2023. Collection method: clinical testing. Allele origin: germline.
Comment: The p.Ala241[27] pathogenic mutation, located in coding exon 3 of the PHOX2B gene, results from an expansion of the polyalanine repeat region from 20 to 27 repeats. This expansion mutation is associated with congenital central hypoventilation syndrome (Amiel J et al. Nat. Genet., 2003 Apr;33:459-61; Matera I et al. J. Med. Genet., 2004 May;41:373-80). Based on the supporting evidence, this alteration is interpreted as a disease-causing mutation.

Literature cited by the submitters: PubMed 12640453; PubMed 15121777; PubMed 30518452.

NM_003924.4(PHOX2B):c.741_761dup (p.Ala260_Gly261insAlaAlaAlaAlaAlaAlaAla)

Genes: PHOX2B (paired like homeobox 2B; minus strand), LOC110011216 (paired like homeobox 2b polyalanine repeat instability region; plus strand). Cytogenetic location: 4p13.
Variant type: Duplication.
Coding change: c.741_761dup on transcript NM_003924.4 (MANE Select); coding-DNA positions 741 to 761, 21 bases duplicated (CGCGGCAGCGGCGGCGGCGGC).
Protein change: p.Ala260_Gly261insAlaAlaAlaAlaAlaAlaAla.
Molecular consequence: inframe insertion. On other transcripts: inframe indel (1).
Genome position (GRCh38, 1-based): chr4:41,745,991-41,746,011, GCCGCCGCCGCCGCTGCCGCG duplicated on the plus strand (CGCGGCAGCGGCGGCGGCGGC on the coding strand, the reverse complement: PHOX2B is on the minus strand); duplicating any 21 consecutive bases within chr4:41,745,991-41,746,022 gives the same sequence; the c. name uses the placement nearest the transcript's 3' end. VCF-style (leftmost placement, unchanged base first): chr4-41745990-T-TGCCGCCGCCGCCGCTGCCGCG. GRCh37 (hg19) VCF-style: chr4-41748007-T-TGCCGCCGCCGCCGCTGCCGCG.
Other names: c.741_761dupCGCGGCAGCGGCGGCGGCGGC (NM_003924.3).
Identifiers: ClinVar variation 1758788 (VCV001758788.2), dbSNP rs749694204, ClinGen allele CA2580071004.